The following is an entry in ClinVar:

ClinVar aggregate classification (germline): Uncertain significance. Review status: criteria provided, multiple submitters, no conflicts (2 of 4 stars). 2 submissions from 2 submitters: Uncertain significance (2). Last evaluated 2025-02-05.

Conditions:
Congenital primary aphakia. Also called: ANTERIOR SEGMENT DYSGENESIS 2; Anterior segment dysgenesis 2, multiple subtypes. Identifiers: Orphanet 83461, MedGen C1853230, MONDO:0012456, OMIM 610256.
Anterior segment dysgenesis. Also called: Ocular anterior segment dysgenesis. Identifiers: Orphanet 88632, MedGen C1862839, MONDO:0019503, HP:0007700.
Cardiovascular phenotype. Identifiers: MedGen CN230736.

Allele frequency attached by ClinVar (database versions not stated): gnomAD exomes below 0.00001; gnomAD 0.00006; TOPMed 0.00006.
gnomAD v4.1: 15 of 1,289,850 alleles (0.0012%); highest among the groups gnomAD compares: African/African-American, 0.019%; no homozygotes.

Submissions (2):

Ambry Genetics
Classification: Uncertain significance for Cardiovascular phenotype. Last evaluated: 2025-02-05. Review status: criteria provided, single submitter. Criteria: Ambry Variant Classification Scheme 2023. Collection method: clinical testing. Allele origin: germline.
Comment: The p.P31Q variant (also known as c.92C>A), located in coding exon 1 of the FOXE3 gene, results from a C to A substitution at nucleotide position 92. The proline at codon 31 is replaced by glutamine, an amino acid with similar properties. This amino acid position is well conserved in available vertebrate species. In addition, this alteration is predicted to be tolerated by in silico analysis. Based on the available evidence, the clinical significance of this variant remains unclear.

Labcorp Genetics (formerly Invitae), Labcorp
Classification: Uncertain significance for Anterior segment dysgenesis; Congenital primary aphakia. Last evaluated: 2023-07-13. Review status: criteria provided, single submitter. Criteria: Invitae Variant Classification Sherloc (09022015). Collection method: clinical testing. Allele origin: germline.
Comment: In summary, the available evidence is currently insufficient to determine the role of this variant in disease. Therefore, it has been classified as a Variant of Uncertain Significance. An algorithm developed to predict the effect of missense changes on protein structure and function (PolyPhen-2) suggests that this variant is likely to be disruptive. ClinVar contains an entry for this variant (Variation ID: 2059005). This variant has not been reported in the literature in individuals affected with FOXE3-related conditions. This variant is present in population databases (no rsID available, gnomAD 0.01%). This sequence change replaces proline, which is neutral and non-polar, with glutamine, which is neutral and polar, at codon 31 of the FOXE3 protein (p.Pro31Gln).

NM_012186.3(FOXE3):c.92C>A (p.Pro31Gln)

Genes: FOXE3 (forkhead box E3; plus strand), LINC01389 (long independently transcribed non-coding RNA 1389; minus strand). Cytogenetic location: 1p33.
Variant type: single nucleotide variant.
Coding change: c.92C>A on transcript NM_012186.3 (MANE Select); coding-DNA position 92, C replaced by A.
Protein change: p.Pro31Gln; replaces proline 31 with glutamine.
Molecular consequence: missense variant.
Genome position (GRCh38, 1-based): chr1:47,416,407, C>A. VCF-style: chr1-47416407-C-A. GRCh37 (hg19) VCF-style: chr1-47882079-C-A.
Other names: c.92C>A (NM_012186.2); short protein forms P31Q.
Identifiers: ClinVar variation 2059005 (VCV002059005.6), dbSNP rs1425029592, ClinGen allele CA340249017.